The following is an entry in ClinVar:

NM_020791.4(TAOK1):c.749+4A>G

Gene: TAOK1 (TAO kinase 1; plus strand). Cytogenetic location: 17q11.2.
Variant type: single nucleotide variant.
Coding change: c.749+4A>G on transcript NM_020791.4 (MANE Select); 4 bases into the intron after coding-DNA position 749, A replaced by G.
Molecular consequence: intron variant.
Genome position (GRCh38, 1-based): chr17:29,489,761, A>G. VCF-style: chr17-29489761-A-G. GRCh37 (hg19) VCF-style: chr17-27816779-A-G.
Other names: c.749+4A>G (NM_025142.1).
Identifiers: ClinVar variation 3040196 (VCV003040196.3), dbSNP rs377646005, ClinGen allele CA8474506.

ClinVar aggregate classification (germline): Uncertain significance. Review status: criteria provided, single submitter (1 of 4 stars). 2 submissions from 2 submitters: Uncertain significance (1). 1 of the submissions does not count toward it. Last evaluated 2023-08-28.

Conditions:
TAOK1-related disorder. Also called: TAOK1-related condition.
Developmental delay with or without intellectual impairment or behavioral abnormalities. Identifiers: MedGen C5562004, MONDO:0859199, OMIM 619575.

Allele frequency attached by ClinVar (database versions not stated): ExAC 0.00009; gnomAD 0.00021; ESP Exome Variant Server 0.00023; TOPMed 0.00023.
gnomAD v4.1: 805 of 1,573,436 alleles (0.051%); highest among the groups gnomAD compares: Non-Finnish European, 0.068%; 1 homozygote.

Submissions (2):

Pittsburgh Clinical Genomics Laboratory, University of Pittsburgh Medical Center
Classification: Uncertain significance for Developmental delay with or without intellectual impairment or behavioral abnormalities. Last evaluated: 2023-08-28. Review status: criteria provided, single submitter. Criteria: ACMG Guidelines, 2015. Collection method: clinical testing. Allele origin: germline. Inheritance: Autosomal dominant inheritance. Affected: yes.
Comment: This sequence variant is a single nucleotide substitution (A>G) 4 bases into the donor splice site of exon 9 of 20 in the TAOK1 gene. This variant is absent from ClinVar, but is present in 29 of 267382 alleles (0.0108%) in the gnomAD population dataset. To our knowledge, this variant has not been observed in an individual affected by a TAOK1-related disorder in the published literature. In silico splice tools predict that this A to G base change will disrupt splicing. However functiol studies examining the consequence of this variant have not been published, to our knowledge. At this time, there is insufficient evidence to determine if this variant is pathogenic or benign. Therefore, we consider this a variant of uncertain significance. ACMG Criteria: PP3

PreventionGenetics, part of Exact Sciences
Classification: Likely benign for TAOK1-related condition. Last evaluated: 2022-09-15. Review status: no assertion criteria provided. Collection method: clinical testing. Allele origin: germline. Not counted in ClinVar's aggregate classification.
Comment: This variant is classified as likely benign based on ACMG/AMP sequence variant interpretation guidelines (Richards et al. 2015 PMID: 25741868, with internal and published modifications).